The following is an entry in ClinVar:

ClinVar aggregate classification (germline): Uncertain significance (1 of 4 stars; one submission).

Conditions:
Menkes kinky-hair syndrome (MNK). Also called: Copper transport disease; Menkes Disease; Classic Menkes Disease. Identifiers: Orphanet 565, MedGen C0022716, MONDO:0010651, OMIM 309400.
Cutis laxa, X-linked (OHS). Also called: EDS IX; Occipital horn syndrome. Identifiers: Orphanet 198, MedGen C0268353, MONDO:0010572, OMIM 304150.
X-linked distal spinal muscular atrophy type 3. Also called: NEURONOPATHY, DISTAL HEREDITARY MOTOR, X-LINKED; NEUROPATHY, DISTAL HEREDITARY MOTOR, X-LINKED; ATP7A-Related Distal Motor Neuropathy; SPINAL MUSCULAR ATROPHY, DISTAL, X-LINKED RECESSIVE. Identifiers: Orphanet 139557, MedGen C1845359, MONDO:0010338, OMIM 300489.

gnomAD v4.1: 1 of 1,211,104 alleles (0.000083%); no homozygotes.

Submission:

Labcorp Genetics (formerly Invitae), Labcorp
Classification: Uncertain significance for X-linked distal spinal muscular atrophy type 3; Cutis laxa, X-linked; Menkes kinky-hair syndrome. Last evaluated: 2024-02-14. Review status: criteria provided, single submitter. Criteria: Invitae Variant Classification Sherloc (09022015). Collection method: clinical testing. Allele origin: germline.
Comment: This sequence change replaces leucine, which is neutral and non-polar, with proline, which is neutral and non-polar, at codon 681 of the ATP7A protein (p.Leu681Pro). This variant is not present in population databases (gnomAD no frequency). This variant has not been reported in the literature in individuals affected with ATP7A-related conditions. Advanced modeling of protein sequence and biophysical properties (such as structural, functional, and spatial information, amino acid conservation, physicochemical variation, residue mobility, and thermodynamic stability) performed at Invitae indicates that this missense variant is not expected to disrupt ATP7A protein function with a negative predictive value of 95%. In summary, the available evidence is currently insufficient to determine the role of this variant in disease. Therefore, it has been classified as a Variant of Uncertain Significance.

NM_000052.7(ATP7A):c.2042T>C (p.Leu681Pro)

Gene: ATP7A (ATPase copper transporting alpha; plus strand). Cytogenetic location: Xq21.1.
Variant type: single nucleotide variant.
Coding change: c.2042T>C on transcript NM_000052.7 (MANE Select); coding-DNA position 2042, T replaced by C.
Protein change: p.Leu681Pro; replaces leucine 681 with proline.
Molecular consequence: missense variant.
Genome position (GRCh38, 1-based): chrX:78,011,544, T>C. VCF-style: chrX-78011544-T-C. GRCh37 (hg19) VCF-style: chrX-77267041-T-C.
Other names: c.2042T>C, p.Leu681Pro (NM_001282224.2); short protein forms L681P.
Identifiers: ClinVar variation 3763984 (VCV003763984.2).